The following is an entry in ClinVar:

ClinVar aggregate classification (germline): Benign/Likely benign. Review status: criteria provided, multiple submitters, no conflicts (2 of 4 stars). 3 submissions from 3 submitters: Benign (1); Likely benign (1). 1 of the submissions does not count toward it. Last evaluated 2025-12-24.

Conditions:
SLC26A1-related disorder. Also called: SLC26A1-related condition.

Allele frequency attached by ClinVar (database versions not stated): gnomAD exomes 0.00014; ExAC 0.00070; ESP Exome Variant Server 0.00125; gnomAD 0.00125; TOPMed 0.00156; 1000 Genomes Project 0.00180; 1000 Genomes Project 30x 0.00187.
gnomAD v4.1: 406 of 1,577,020 alleles (0.026%); highest among the groups gnomAD compares: African/African-American, 0.47%; 1 homozygote.

Submissions (3):

Labcorp Genetics (formerly Invitae), Labcorp
Classification: Benign. Last evaluated: 2025-12-24. Review status: criteria provided, single submitter. Criteria: Invitae Variant Classification Sherloc (09022015). Collection method: clinical testing. Allele origin: germline.

Blueprint Genetics
Classification: Likely benign. Last evaluated: 2024-10-22. Review status: criteria provided, single submitter. Criteria: ACMG Guidelines, 2015. Collection method: clinical testing. Allele origin: germline.

PreventionGenetics, part of Exact Sciences
Classification: Likely benign for SLC26A1-related condition. Last evaluated: 2019-03-26. Review status: no assertion criteria provided. Collection method: clinical testing. Allele origin: germline. Not counted in ClinVar's aggregate classification.
Comment: This variant is classified as likely benign based on ACMG/AMP sequence variant interpretation guidelines (Richards et al. 2015 PMID: 25741868, with internal and published modifications).

NM_022042.4(SLC26A1):c.1284G>A (p.Leu428=)

Genes: IDUA (alpha-L-iduronidase; plus strand), SLC26A1 (solute carrier family 26 member 1; minus strand). Cytogenetic location: 4p16.3.
Variant type: single nucleotide variant.
Coding change: c.1284G>A on transcript NM_022042.4 (MANE Select); coding-DNA position 1284, G replaced by A.
Protein change: p.Leu428=; no amino-acid change (leucine 428 retained).
Molecular consequence: synonymous variant. On other transcripts: intron variant (2).
Genome position (GRCh38, 1-based): chr4:989,655, C>T on the plus strand (G>A on the coding strand, the complement: SLC26A1 is on the minus strand). VCF-style: chr4-989655-C-T. GRCh37 (hg19) VCF-style: chr4-983443-C-T.
Other names: c.1284G>A, p.Leu428= (NM_213613.4); c.576+1473G>A (NM_134425.4); c.299+1706C>T (NM_000203.5).
Identifiers: ClinVar variation 2052053 (VCV002052053.7), dbSNP rs144076450, ClinGen allele CA2801421.